The following is an entry in ClinVar:

ClinVar aggregate classification (germline): Uncertain significance (1 of 4 stars; one submission).

Allele frequency attached by ClinVar (database versions not stated): gnomAD 0.00001; gnomAD exomes 0.00001; TOPMed 0.00001.
gnomAD v4.1: 20 of 1,613,160 alleles (0.0012%); highest among the groups gnomAD compares: Non-Finnish European, 0.0017%; no homozygotes.

Submission:

Labcorp Genetics (formerly Invitae), Labcorp
Classification: Uncertain significance. Last evaluated: 2023-11-10. Review status: criteria provided, single submitter. Criteria: Invitae Variant Classification Sherloc (09022015). Collection method: clinical testing. Allele origin: germline.
Comment: This sequence change replaces alanine, which is neutral and non-polar, with glutamic acid, which is acidic and polar, at codon 307 of the ZNF341 protein (p.Ala307Glu). This variant is present in population databases (no rsID available, gnomAD 0.002%). This variant has not been reported in the literature in individuals affected with ZNF341-related conditions. An algorithm developed to predict the effect of missense changes on protein structure and function (PolyPhen-2) suggests that this variant is likely to be tolerated. In summary, the available evidence is currently insufficient to determine the role of this variant in disease. Therefore, it has been classified as a Variant of Uncertain Significance.

NM_001282933.2(ZNF341):c.941C>A (p.Ala314Glu)

Gene: ZNF341 (zinc finger protein 341; plus strand). Cytogenetic location: 20q11.22.
Variant type: single nucleotide variant.
Coding change: c.941C>A on transcript NM_001282933.2 (MANE Select); coding-DNA position 941, C replaced by A.
Protein change: p.Ala314Glu; replaces alanine 314 with glutamic acid.
Molecular consequence: missense variant. On other transcripts: non-coding transcript variant (1).
Genome position (GRCh38, 1-based): chr20:33,758,719, C>A. VCF-style: chr20-33758719-C-A. GRCh37 (hg19) VCF-style: chr20-32346525-C-A.
Other names: c.671C>A, p.Ala224Glu (NM_001282935.2); c.920C>A, p.Ala307Glu (NM_032819.5); short protein forms A307E, A314E, A224E.
Identifiers: ClinVar variation 3011385 (VCV003011385.3), dbSNP rs1007356728, ClinGen allele CA313340571.
Genomic context (GRCh38, chr20:33,758,719, plus strand): 5'-TGGTGCCCTGAGCTGCACCCCCAGCCTCATTGTCCCCTCCTTCCACTTGTCTTTCAGCTG[C>A]AGGGAAGCCAAAGGCTCAGAAACTCAAGTGCTCATACTGTGACAAGTCATTCACCAAAAA-3'
Protein context (NP_001269862.1, residues 304-324): AKGARGLPEA[Ala314Glu]GKPKAQKLKC